The following is an entry in ClinVar:

ClinVar aggregate classification (germline): Uncertain significance (1 of 4 stars; one submission).

Submission:

Greenwood Genetic Center Diagnostic Laboratories, Greenwood Genetic Center
Classification: Uncertain significance. Last evaluated: 2025-06-23. Review status: criteria provided, single submitter. Criteria: ACMG Guidelines, 2015. Collection method: clinical testing. Allele origin: germline. Affected: yes.
Comment: PM2, BP4, PP2

NM_002971.6(SATB1):c.1779+588C>T

Gene: SATB1 (SATB homeobox 1; minus strand). Cytogenetic location: 3p24.3.
Variant type: single nucleotide variant.
Coding change: c.1779+588C>T on transcript NM_002971.6 (MANE Select); 588 bases into the intron after coding-DNA position 1779, C replaced by T.
Molecular consequence: intron variant. On other transcripts: missense variant (2).
Genome position (GRCh38, 1-based): chr3:18,351,404, G>A on the plus strand (C>T on the coding strand, the complement: SATB1 is on the minus strand). VCF-style: chr3-18351404-G-A. GRCh37 (hg19) VCF-style: chr3-18392896-G-A.
Other names: c.1784C>T, p.Pro595Leu (NM_001195470.3, NM_001322871.2); c.1779+588C>T (NM_001322874.2, NM_001322872.2, NM_001322873.2 and 2 more transcripts); c.1563+588C>T (NM_001322876.2); short protein forms P595L.
Identifiers: ClinVar variation 4538331 (VCV004538331.1).